The following is an entry in ClinVar:

NM_000094.4(COL7A1):c.7614+6T>C

Gene: COL7A1 (collagen type VII alpha 1 chain; minus strand). Cytogenetic location: 3p21.31.
Variant type: single nucleotide variant.
Coding change: c.7614+6T>C on transcript NM_000094.4 (MANE Select); 6 bases into the intron after coding-DNA position 7614, T replaced by C.
Molecular consequence: intron variant.
Genome position (GRCh38, 1-based): chr3:48,569,586, A>G on the plus strand (T>C on the coding strand, the complement: COL7A1 is on the minus strand). VCF-style: chr3-48569586-A-G. GRCh37 (hg19) VCF-style: chr3-48607019-A-G.
Identifiers: ClinVar variation 2187097 (VCV002187097.4), dbSNP rs763677512, ClinGen allele CA2378404.

ClinVar aggregate classification (germline): Uncertain significance. Review status: criteria provided, multiple submitters, no conflicts (2 of 4 stars). 2 submissions from 2 submitters: Uncertain significance (2). Last evaluated 2026-04-14.

Allele frequency attached by ClinVar (database versions not stated): gnomAD exomes below 0.00001; TOPMed below 0.00001; ExAC 0.00001; gnomAD 0.00001.
gnomAD v4.1: 3 of 1,613,324 alleles (0.00019%); highest among the groups gnomAD compares: Admixed American, 0.005%; no homozygotes.

Submissions (2):

Women's Health and Genetics/Laboratory Corporation of America, LabCorp
Classification: Uncertain significance. Last evaluated: 2026-04-14. Review status: criteria provided, single submitter. Criteria: LabCorp Variant Classification Summary - May 2015. Collection method: clinical testing. Allele origin: germline.

Labcorp Genetics (formerly Invitae), Labcorp
Classification: Uncertain significance. Last evaluated: 2024-03-26. Review status: criteria provided, single submitter. Criteria: Invitae Variant Classification Sherloc (09022015). Collection method: clinical testing. Allele origin: germline.
Comment: This sequence change falls in intron 101 of the COL7A1 gene. It does not directly change the encoded amino acid sequence of the COL7A1 protein. It affects a nucleotide within the consensus splice site. This variant is present in population databases (rs763677512, gnomAD 0.006%). This variant has not been reported in the literature in individuals affected with COL7A1-related conditions. ClinVar contains an entry for this variant (Variation ID: 2187097). Variants that disrupt the consensus splice site are a relatively common cause of aberrant splicing (PMID: 17576681, 9536098). Algorithms developed to predict the effect of sequence changes on RNA splicing suggest that this variant may disrupt the consensus splice site. In summary, the available evidence is currently insufficient to determine the role of this variant in disease. Therefore, it has been classified as a Variant of Uncertain Significance.

Literature cited by the submitters: PubMed 17576681 (cited by Labcorp Genetics (formerly Invitae), Labcorp); PubMed 9536098 (cited by Labcorp Genetics (formerly Invitae), Labcorp).